The following is an entry in ClinVar:

ClinVar aggregate classification (germline): Uncertain significance (1 of 4 stars; one submission).

Submission:

Quest Diagnostics Nichols Institute San Juan Capistrano
Classification: Uncertain significance. Last evaluated: 2025-02-26. Review status: criteria provided, single submitter. Criteria: Quest Diagnostics criteria. Collection method: clinical testing. Allele origin: unknown.
Comment: The MSH3 c.2388G>A (p.Arg796=) synonymous variant has not been reported in individuals with MSH3-related conditions in the published literature. It also has not been reported in large, multi-ethnic general populations (Genome Aggregation Database). Analysis of this variant using software algorithms for the prediction of the effect of nucleotide changes on splicing yielded predictions that this variant does not affect MSH3 mRNA splicing. Based on the available information, we are unable to determine the clinical significance of this variant.

NM_002439.5(MSH3):c.2388G>A (p.Arg796=)

Gene: MSH3 (mutS homolog 3; plus strand). Cytogenetic location: 5q14.1.
Variant type: single nucleotide variant.
Coding change: c.2388G>A on transcript NM_002439.5 (MANE Select); coding-DNA position 2388, G replaced by A.
Protein change: p.Arg796=; no amino-acid change (arginine 796 retained).
Molecular consequence: synonymous variant.
Genome position (GRCh38, 1-based): chr5:80,778,789, G>A. VCF-style: chr5-80778789-G-A. GRCh37 (hg19) VCF-style: chr5-80074608-G-A.
Identifiers: ClinVar variation 4533045 (VCV004533045.1).